The following is an entry in ClinVar:

NM_212482.4(FN1):c.1389G>A (p.Met463Ile)

Genes: FN1 (fibronectin 1; minus strand), LOC126806498 (CDK7 strongly-dependent group 2 enhancer GRCh37_chr2:216288045-216289244; plus strand). Cytogenetic location: 2q35.
Variant type: single nucleotide variant.
Coding change: c.1389G>A on transcript NM_212482.4 (MANE Select); coding-DNA position 1389, G replaced by A.
Protein change: p.Met463Ile; replaces methionine 463 with isoleucine.
Molecular consequence: missense variant.
Genome position (GRCh38, 1-based): chr2:215,423,354, C>T on the plus strand (G>A on the coding strand, the complement: FN1 is on the minus strand). VCF-style: chr2-215423354-C-T. GRCh37 (hg19) VCF-style: chr2-216288077-C-T.
Other names: c.1389G>A, p.Met463Ile (NM_001306129.2, NM_001306130.2, NM_001306131.2 and 14 more transcripts); short protein forms M463I.
Identifiers: ClinVar variation 1984784 (VCV001984784.5), dbSNP rs749916980, ClinGen allele CA2095313.

ClinVar aggregate classification (germline): Uncertain significance. Review status: criteria provided, multiple submitters, no conflicts (2 of 4 stars). 2 submissions from 2 submitters: Uncertain significance (2). Last evaluated 2023-07-22.

Conditions:
Glomerulopathy with fibronectin deposits 2 (GFND2). Identifiers: Orphanet 84090, MedGen C1866075, MONDO:0011165, OMIM 601894.

Allele frequency attached by ClinVar (database versions not stated): ExAC 0.00002; gnomAD 0.00002; gnomAD exomes 0.00002.
gnomAD v4.1: 27 of 1,613,812 alleles (0.0017%); highest among the groups gnomAD compares: South Asian, 0.03%; 1 homozygote.

Submissions (2):

Neuberg Centre For Genomic Medicine, NCGM
Classification: Uncertain significance for Glomerulopathy with fibronectin deposits 2. Last evaluated: 2023-07-22. Review status: criteria provided, single submitter. Criteria: ACMG Guidelines, 2015. Collection method: clinical testing. Allele origin: germline. Inheritance: Autosomal dominant inheritance. Affected: yes.
Comment: The observed missense variant c.1389G>Ap.Met463Ile in FN1 gene has not been reported previously as a pathogenic variant nor as a benign variant, to our knowledge. The p.Met463Ile variant is reported with 0.001% allele frequency in gnomAD Exomes. It has been submitted to ClinVar as Uncertain Significance. However, no details are available for independent assessment. The amino acid Met at position 463 is changed to a Ile changing protein sequence and it might alter its composition and physico-chemical properties. Multiple lines of computational evidence Polyphen-possibly damagign, SIFT-damaging and Mutation Taster-disease causing predict a damaging effect on protein structure and function for this variant. The referernce amino acid p.Met463Ile in FN1 is predicted as conserved by GERP++ and PhyloP across 100 vertebrates. For these reasons, this variant has been classified as Uncertain Significance.

Labcorp Genetics (formerly Invitae), Labcorp
Classification: Uncertain significance. Last evaluated: 2022-06-22. Review status: criteria provided, single submitter. Criteria: Invitae Variant Classification Sherloc (09022015). Collection method: clinical testing. Allele origin: germline.
Comment: In summary, the available evidence is currently insufficient to determine the role of this variant in disease. Therefore, it has been classified as a Variant of Uncertain Significance. Algorithms developed to predict the effect of missense changes on protein structure and function are either unavailable or do not agree on the potential impact of this missense change (SIFT: "Not Available"; PolyPhen-2: "Possibly Damaging"; Align-GVGD: "Not Available"). This variant has not been reported in the literature in individuals affected with FN1-related conditions. This variant is present in population databases (rs749916980, gnomAD 0.01%). This sequence change replaces methionine, which is neutral and non-polar, with isoleucine, which is neutral and non-polar, at codon 463 of the FN1 protein (p.Met463Ile).